The following is an entry in ClinVar:

ClinVar aggregate classification (germline): Conflicting classifications of pathogenicity. Review status: criteria provided, conflicting classifications (1 of 4 stars). 2 submissions from 2 submitters: Uncertain significance (1); Likely benign (1). Last evaluated 2022-05-31.

Conditions:
Deficiency of alpha-mannosidase (MANSA). Also called: Mannosidosis, alpha-, types I and II; LYSOSOMAL ALPHA-D-MANNOSIDASE DEFICIENCY; Alpha-Mannosidosis. Identifiers: Orphanet 61, MedGen C0024748, MONDO:0009561, OMIM 248500.
Inborn genetic diseases. Identifiers: MedGen C0950123, MeSH D030342.

Allele frequency attached by ClinVar (database versions not stated): gnomAD exomes below 0.00001; ExAC 0.00002.
gnomAD v4.1: 8 of 1,614,128 alleles (0.0005%); highest among the groups gnomAD compares: Non-Finnish European, 0.00059%; no homozygotes.

Submissions (2):

Labcorp Genetics (formerly Invitae), Labcorp
Classification: Uncertain significance for Deficiency of alpha-mannosidase. Last evaluated: 2022-05-31. Review status: criteria provided, single submitter. Criteria: Invitae Variant Classification Sherloc (09022015). Collection method: clinical testing. Allele origin: germline.
Comment: This sequence change replaces valine, which is neutral and non-polar, with alanine, which is neutral and non-polar, at codon 957 of the MAN2B1 protein (p.Val957Ala). This variant is present in population databases (rs746571094, gnomAD 0.0009%). This variant has not been reported in the literature in individuals affected with MAN2B1-related conditions. Algorithms developed to predict the effect of missense changes on protein structure and function output the following: SIFT: "Tolerated"; PolyPhen-2: "Benign"; Align-GVGD: "Class C0". The alanine amino acid residue is found in multiple mammalian species, which suggests that this missense change does not adversely affect protein function. In summary, the available evidence is currently insufficient to determine the role of this variant in disease. Therefore, it has been classified as a Variant of Uncertain Significance.

Ambry Genetics
Classification: Likely benign for Inborn genetic diseases. Last evaluated: 2022-03-29. Review status: criteria provided, single submitter. Criteria: Ambry Variant Classification Scheme 2023. Collection method: clinical testing. Allele origin: germline.

NM_000528.4(MAN2B1):c.2870T>C (p.Val957Ala)

Gene: MAN2B1 (mannosidase alpha class 2B member 1; minus strand). Cytogenetic location: 19p13.13.
Variant type: single nucleotide variant.
Coding change: c.2870T>C on transcript NM_000528.4 (MANE Select); coding-DNA position 2870, T replaced by C.
Protein change: p.Val957Ala; replaces valine 957 with alanine.
Molecular consequence: missense variant.
Genome position (GRCh38, 1-based): chr19:12,647,286, A>G on the plus strand (T>C on the coding strand, the complement: MAN2B1 is on the minus strand). VCF-style: chr19-12647286-A-G. GRCh37 (hg19) VCF-style: chr19-12758100-A-G.
Other names: c.2867T>C, p.Val956Ala (NM_001173498.2); c.2870T>C (NM_000528.3); short protein forms V957A, V956A.
Identifiers: ClinVar variation 2161453 (VCV002161453.2), dbSNP rs746571094, ClinGen allele CA9225891.